The following is an entry in ClinVar:

NM_007268.3(VSIG4):c.*127C>T

Gene: VSIG4 (V-set and immunoglobulin domain containing 4; minus strand). Cytogenetic location: Xq12.
Variant type: single nucleotide variant.
Coding change: c.*127C>T on transcript NM_007268.3 (MANE Select); 127 bases downstream of the stop codon, C replaced by T.
Molecular consequence: 3 prime UTR variant. On other transcripts: synonymous variant (1).
Genome position (GRCh38, 1-based): chrX:66,022,136, G>A on the plus strand (C>T on the coding strand, the complement: VSIG4 is on the minus strand). VCF-style: chrX-66022136-G-A. GRCh37 (hg19) VCF-style: chrX-65241978-G-A.
Other names: c.*127C>T (NM_001100431.2); c.*701C>T (NM_001184830.2, NM_001184831.2); c.993C>T, p.Ala331= (NM_001257403.2).
Identifiers: ClinVar variation 3035869 (VCV003035869.2), dbSNP rs768192114, ClinGen allele CA10434759.

ClinVar aggregate classification (germline): Likely benign (0 of 4 stars; one submission).

Conditions:
VSIG4-related disorder. Also called: VSIG4-related condition.

Allele frequency attached by ClinVar (database versions not stated): gnomAD 0.00025; gnomAD exomes 0.00039; 1000 Genomes Project 30x 0.00042; 1000 Genomes Project 0.00053; ExAC 0.00067.
gnomAD v4.1: 439 of 1,192,079 alleles (0.037%); highest among the groups gnomAD compares: Non-Finnish European, 0.046%; 1 homozygote.

Submission:

PreventionGenetics, part of Exact Sciences
Classification: Likely benign for VSIG4-related condition. Last evaluated: 2019-08-01. Review status: no assertion criteria provided. Collection method: clinical testing. Allele origin: germline.
Comment: This variant is classified as likely benign based on ACMG/AMP sequence variant interpretation guidelines (Richards et al. 2015 PMID: 25741868, with internal and published modifications).